The following is an entry in ClinVar:

ClinVar aggregate classification (germline): Uncertain significance. Review status: criteria provided, multiple submitters, no conflicts (2 of 4 stars). 2 submissions from 2 submitters: Uncertain significance (2). Last evaluated 2024-04-12.

Allele frequency attached by ClinVar (database versions not stated): gnomAD exomes below 0.00001; gnomAD 0.00001; TOPMed 0.00001.
gnomAD v4.1: 4 of 1,605,660 alleles (0.00025%); highest among the groups gnomAD compares: Non-Finnish European, 0.00034%; no homozygotes.

Submissions (2):

Labcorp Genetics (formerly Invitae), Labcorp
Classification: Uncertain significance. Last evaluated: 2024-04-12. Review status: criteria provided, single submitter. Criteria: Invitae Variant Classification Sherloc (09022015). Collection method: clinical testing. Allele origin: germline.
Comment: This sequence change replaces valine, which is neutral and non-polar, with alanine, which is neutral and non-polar, at codon 974 of the BUB1 protein (p.Val974Ala). This variant is not present in population databases (gnomAD no frequency). This variant has not been reported in the literature in individuals affected with BUB1-related conditions. ClinVar contains an entry for this variant (Variation ID: 1797722). Experimental studies and prediction algorithms are not available or were not evaluated, and the functional significance of this variant is currently unknown. In summary, the available evidence is currently insufficient to determine the role of this variant in disease. Therefore, it has been classified as a Variant of Uncertain Significance.

Ambry Genetics
Classification: Uncertain significance. Last evaluated: 2022-09-25. Review status: criteria provided, single submitter. Criteria: Ambry Variant Classification Scheme 2023. Collection method: clinical testing. Allele origin: germline.
Comment: The p.V974A variant (also known as c.2921T>C), located in coding exon 23 of the BUB1 gene, results from a T to C substitution at nucleotide position 2921. The valine at codon 974 is replaced by alanine, an amino acid with similar properties. This amino acid position is conserved. In addition, this alteration is predicted to be tolerated by in silico analysis. Since supporting evidence is limited at this time, the clinical significance of this alteration remains unclear.

NM_004336.5(BUB1):c.2921T>C (p.Val974Ala)

Gene: BUB1 (BUB1 mitotic checkpoint serine/threonine kinase; minus strand). Cytogenetic location: 2q13.
Variant type: single nucleotide variant.
Coding change: c.2921T>C on transcript NM_004336.5 (MANE Select); coding-DNA position 2921, T replaced by C.
Protein change: p.Val974Ala; replaces valine 974 with alanine.
Molecular consequence: missense variant.
Genome position (GRCh38, 1-based): chr2:110,641,068, A>G on the plus strand (T>C on the coding strand, the complement: BUB1 is on the minus strand). VCF-style: chr2-110641068-A-G. GRCh37 (hg19) VCF-style: chr2-111398645-A-G.
Other names: c.2861T>C, p.Val954Ala (NM_001278616.2); c.2750T>C, p.Val917Ala (NM_001278617.2); short protein forms V954A, V917A, V974A.
Identifiers: ClinVar variation 1797722 (VCV001797722.4), dbSNP rs1267393661, ClinGen allele CA348089001.
Genomic context (GRCh38, chr2:110,641,068, plus strand): 5'-CCAAGTCCCTCACTTTAGTTTTATACCTGGTAGTTCCATGGTTTGTTGCTGAGCATCTCA[A>G]CACACTGAAAACCAGATGTTTCACACTTTGCTGTGAATATAGTTCCTTTTGGAAAAAGTT-3'
Protein context (NP_004327.1, residues 964-984): AKCETSGFQC[Val974Ala]EMLSNKPWNY